The following is an entry in ClinVar:

ClinVar aggregate classification (germline): Conflicting classifications of pathogenicity. Review status: criteria provided, conflicting classifications (1 of 4 stars). 4 submissions from 4 submitters: Uncertain significance (1); Likely benign (3). Last evaluated 2026-01-27.

Conditions:
MYO7A-related disorder. Also called: MYO7A-related disorders.

Allele frequency attached by ClinVar (database versions not stated): 1000 Genomes Project 30x 0.00016; 1000 Genomes Project 0.00020.
gnomAD v4.1: 22 of 1,613,168 alleles (0.0014%); highest among the groups gnomAD compares: South Asian, 0.0077%; no homozygotes.

Submissions (4):

PreventionGenetics, part of Exact Sciences
Classification: Likely benign for MYO7A-related condition. Last evaluated: 2026-01-27. Review status: criteria provided, single submitter. Criteria: ACMG Guidelines, 2015. Collection method: clinical testing. Allele origin: germline.
Comment: This variant is classified as likely benign based on ACMG/AMP sequence variant interpretation guidelines (Richards et al. 2015 PMID: 25741868, with internal and published modifications).

Blueprint Genetics
Classification: Likely benign. Last evaluated: 2023-08-09. Review status: criteria provided, single submitter. Criteria: ACMG Guidelines, 2015. Collection method: clinical testing. Allele origin: germline.

Labcorp Genetics (formerly Invitae), Labcorp
Classification: Uncertain significance. Last evaluated: 2022-10-17. Review status: criteria provided, single submitter. Criteria: Invitae Variant Classification Sherloc (09022015). Collection method: clinical testing. Allele origin: germline.
Comment: This sequence change falls in intron 5 of the MYO7A gene. It does not directly change the encoded amino acid sequence of the MYO7A protein. It affects a nucleotide within the consensus splice site. This variant is present in population databases (rs370905994, gnomAD 0.02%). This variant has not been reported in the literature in individuals affected with MYO7A-related conditions. ClinVar contains an entry for this variant (Variation ID: 1179636). Variants that disrupt the consensus splice site are a relatively common cause of aberrant splicing (PMID: 17576681, 9536098). Algorithms developed to predict the effect of sequence changes on RNA splicing suggest that this variant is not likely to affect RNA splicing. In summary, the available evidence is currently insufficient to determine the role of this variant in disease. Therefore, it has been classified as a Variant of Uncertain Significance.

GeneDx
Classification: Likely benign. Last evaluated: 2019-07-25. Review status: criteria provided, single submitter. Criteria: GeneDx Variant Classification Process June 2021. Collection method: clinical testing. Allele origin: germline. Affected: yes.

Literature cited by the submitters: PubMed 17576681 (cited by Labcorp Genetics (formerly Invitae), Labcorp); PubMed 9536098 (cited by Labcorp Genetics (formerly Invitae), Labcorp).

NM_000260.4(MYO7A):c.470+6C>T

Gene: MYO7A (myosin VIIA; plus strand). Cytogenetic location: 11q13.5.
Variant type: single nucleotide variant.
Coding change: c.470+6C>T on transcript NM_000260.4 (MANE Select); 6 bases into the intron after coding-DNA position 470, C replaced by T.
Molecular consequence: intron variant.
Genome position (GRCh38, 1-based): chr11:77,156,097, C>T. VCF-style: chr11-77156097-C-T. GRCh37 (hg19) VCF-style: chr11-76867143-C-T.
Other names: c.437+6C>T (NM_001369365.1); c.470+6C>T (NM_001127180.2, NM_000260.3).
Identifiers: ClinVar variation 1179636 (VCV001179636.6), dbSNP rs370905994, ClinGen allele CA6197136.